The following is an entry in ClinVar:

NM_001018115.3(FANCD2):c.4281+37G>A

Genes: FANCD2OS (FANCD2 opposite strand; minus strand), FANCD2 (FA complementation group D2; plus strand). Cytogenetic location: 3p25.3.
Variant type: single nucleotide variant.
Coding change: c.4281+37G>A on transcript NM_001018115.3 (MANE Select); 37 bases into the intron after coding-DNA position 4281, G replaced by A.
Molecular consequence: intron variant. On other transcripts: missense variant (2).
Genome position (GRCh38, 1-based): chr3:10,098,852, G>A. VCF-style: chr3-10098852-G-A. GRCh37 (hg19) VCF-style: chr3-10140536-G-A.
Other names: c.4279G>A, p.Gly1427Ser (NM_001374254.1); c.4318G>A, p.Gly1440Ser (NM_033084.6); c.4281+37G>A (NM_001319984.2); c.4170+37G>A (NM_001374253.1); c.*43+5346C>T (NM_173472.2); short protein forms G1427S, G1440S.
Identifiers: ClinVar variation 1008533 (VCV001008533.11), dbSNP rs376442380, ClinGen allele CA2250672.
Genomic context (GRCh38, chr3:10,098,852, plus strand): 5'-GCCTCCAAGAGCAAAGCCACTGAGGTATCTCTACAAAACCCACCAGAGTCTGGCACTGAT[G>A]GTTGCATTTTGTTAATTGTTCTAAGTTGGTGGAGCAGAACTTTGCCTACTTATGTTTATT-3'

ClinVar aggregate classification (germline): Uncertain significance. Review status: criteria provided, multiple submitters, no conflicts (2 of 4 stars). 3 submissions from 3 submitters: Uncertain significance (2). 1 of the submissions does not count toward it. Last evaluated 2024-08-31.

Conditions:
Fanconi anemia (FA). Also called: Fanconi's anemia. Identifiers: Orphanet 84, MedGen C0015625, MeSH D005199, MONDO:0019391.
Fanconi anemia complementation group D2. Also called: FANCD2-Related Fanconi Anemia; FANCONI PANCYTOPENIA, TYPE 4; FANCONI ANEMIA, COMPLEMENTATION GROUP D. Identifiers: Orphanet 84, MedGen C3160738, MONDO:0009214, OMIM 227646.

Allele frequency attached by ClinVar (database versions not stated): gnomAD 0.00007 and 0.00008; TOPMed 0.00006; ESP Exome Variant Server 0.00023.
gnomAD v4.1: 233 of 1,614,030 alleles (0.014%); highest among the groups gnomAD compares: Non-Finnish European, 0.019%; no homozygotes.

Submissions (3):

Labcorp Genetics (formerly Invitae), Labcorp
Classification: Uncertain significance for Fanconi anemia. Last evaluated: 2024-08-31. Review status: criteria provided, single submitter. Criteria: Invitae Variant Classification Sherloc (09022015). Collection method: clinical testing. Allele origin: germline.
Comment: This sequence change replaces glycine, which is neutral and non-polar, with serine, which is neutral and polar, at codon 1440 of the FANCD2 protein (p.Gly1440Ser). This variant is present in population databases (rs376442380, gnomAD 0.009%). This variant has not been reported in the literature in individuals affected with FANCD2-related conditions. ClinVar contains an entry for this variant (Variation ID: 1008533). An algorithm developed to predict the effect of missense changes on protein structure and function (PolyPhen-2) suggests that this variant¬†is likely to be tolerated. In summary, the available evidence is currently insufficient to determine the role of this variant in disease. Therefore, it has been classified as a Variant of Uncertain Significance.

Fulgent Genetics
Classification: Uncertain significance for Fanconi anemia complementation group D2. Last evaluated: 2022-04-05. Review status: criteria provided, single submitter. Criteria: ACMG Guidelines, 2015. Collection method: clinical testing. Allele origin: unknown.

Genetic Services Laboratory, University of Chicago
Classification: Uncertain significance. Last evaluated: 2022-07-14. Review status: no assertion criteria provided. Collection method: clinical testing. Allele origin: germline. Affected: no. Not counted in ClinVar's aggregate classification.
Comment: DNA sequence analysis of the FANCD2 gene demonstrated a sequence change, c.4318G>A, in exon 43 that results in an amino acid change, p.Gly1440Ser. This sequence change does not appear to have been previously described in individuals with FANCD2-related disorders. This sequence change has been described in the gnomAD database with a frequency of 0.009% in the European subpopulation (dbSNP rs376442380). The p.Gly1440Ser change affects a poorly conserved amino acid residue located in a domain of the FANCD2 protein that is not known to be functional. The p.Gly1440Ser substitution appears to be benign using several in-silico pathogenicity prediction tools (SIFT, Align GVGD, REVEL). Due to insufficient evidences and the lack of functional studies, the clinical significance of the p.Gly1440Ser change remains unknown at this time.